The following is an entry in ClinVar:

ClinVar aggregate classification (germline): Pathogenic/Likely pathogenic. Review status: criteria provided, multiple submitters, no conflicts (2 of 4 stars). 4 submissions from 4 submitters: Pathogenic (3); Likely pathogenic (1). Last evaluated 2022-10-31.

Conditions:
Sjögren-Larsson syndrome (SLS). Also called: FALDH DEFICIENCY; FATTY ALCOHOL:NAD+ OXIDOREDUCTASE DEFICIENCY; FATTY ALDEHYDE DEHYDROGENASE DEFICIENCY; ICHTHYOSIS, SPASTIC NEUROLOGIC DISORDER, AND OLIGOPHRENIA. Identifiers: Orphanet 816, MedGen C0037231, MONDO:0010031, OMIM 270200.

Submissions (4):

Labcorp Genetics (formerly Invitae), Labcorp
Classification: Pathogenic. Last evaluated: 2022-10-31. Review status: criteria provided, single submitter. Criteria: Invitae Variant Classification Sherloc (09022015). Collection method: clinical testing. Allele origin: germline.
Comment: This variant has not been reported in the literature in individuals affected with ALDH3A2-related conditions. This sequence change creates a premature translational stop signal (p.Trp259*) in the ALDH3A2 gene. It is expected to result in an absent or disrupted protein product. Loss-of-function variants in ALDH3A2 are known to be pathogenic (PMID: 10577908, 10854114). This variant is not present in population databases (gnomAD no frequency). ClinVar contains an entry for this variant (Variation ID: 804419). Algorithms developed to predict the effect of sequence changes on RNA splicing suggest that this variant may disrupt the consensus splice site. For these reasons, this variant has been classified as Pathogenic.

GeneDx
Classification: Pathogenic. Last evaluated: 2022-07-06. Review status: criteria provided, single submitter. Criteria: GeneDx Variant Classification Process June 2021. Collection method: clinical testing. Allele origin: germline. Affected: yes.
Comment: Nonsense variant predicted to result in protein truncation or nonsense mediated decay in a gene for which loss-of-function is a known mechanism of disease; Not observed at significant frequency in large population cohorts (gnomAD); Has not been previously published as pathogenic or benign to our knowledge

3billion
Classification: Pathogenic for Sjögren-Larsson syndrome. Last evaluated: 2022-05-22. Review status: criteria provided, single submitter. Criteria: ACMG Guidelines, 2015. Collection method: clinical testing. Allele origin: germline. Affected: yes. Observed: 1 homozygote.
Comment: The variant is not observed in the gnomAD v2.1.1 dataset. Stop-gained (nonsense): predicted to result in a loss or disruption of normal protein function through nonsense-mediated decay (NMD) or protein truncation. Multiple pathogenic variants are reported downstream of the variant. The variant has been reported at least twice as pathogenic without evidence for the classification (ClinVar ID: VCV000804419). Therefore, this variant is classified as pathogenic according to the recommendation of ACMG/AMP guideline.

Hadassah Hebrew University Medical Center
Classification: Likely pathogenic for Sjögren-Larsson syndrome. Last evaluated: 2019-06-20. Review status: criteria provided, single submitter. Criteria: ACMG Guidelines, 2015. Collection method: clinical testing. Allele origin: germline. Inheritance: Autosomal recessive inheritance. Affected: yes.

Literature cited by the submitters: PubMed 10577908 (cited by Labcorp Genetics (formerly Invitae), Labcorp); PubMed 10854114 (cited by Labcorp Genetics (formerly Invitae), Labcorp).

NM_000382.3(ALDH3A2):c.777G>A (p.Trp259Ter)

Gene: ALDH3A2 (aldehyde dehydrogenase 3 family member A2; plus strand). Cytogenetic location: 17p11.2.
Variant type: single nucleotide variant.
Coding change: c.777G>A on transcript NM_000382.3 (MANE Select); coding-DNA position 777, G replaced by A.
Protein change: p.Trp259Ter; replaces tryptophan 259 with a stop codon.
Molecular consequence: nonsense.
Genome position (GRCh38, 1-based): chr17:19,657,841, G>A. VCF-style: chr17-19657841-G-A. GRCh37 (hg19) VCF-style: chr17-19561154-G-A.
Other names: c.777G>A, p.Trp259Ter (NM_001031806.2, NM_001369136.1, NM_001369137.2 and 3 more transcripts); c.198G>A, p.Trp66Ter (NM_001369148.2); short protein forms W66*, W259*.
Identifiers: ClinVar variation 804419 (VCV000804419.11), dbSNP rs1555533754, ClinGen allele CA398707097.